The following is an entry in ClinVar:

ClinVar aggregate classification (germline): Uncertain significance. Review status: criteria provided, multiple submitters, no conflicts (2 of 4 stars). 2 submissions from 2 submitters: Uncertain significance (2). Last evaluated 2025-03-10.

Conditions:
Hereditary cancer-predisposing syndrome. Also called: Neoplastic Syndromes, Hereditary; Hereditary neoplastic syndrome; Tumor predisposition; Hereditary Cancer Syndrome. Identifiers: Orphanet 140162, MedGen C0027672, MeSH D009386, MONDO:0015356.
Multiple endocrine neoplasia, type 2 (MEN2). Identifiers: Orphanet 653, MedGen C4048306, MONDO:0019003. Disease mechanism: gain of function.

Allele frequency attached by ClinVar (database versions not stated): gnomAD exomes below 0.00001; TOPMed below 0.00001.
gnomAD v4.1: 1 of 1,612,318 alleles (0.000062%); highest among the groups gnomAD compares: Non-Finnish European, 0.000085%; no homozygotes.

Submissions (2):

Ambry Genetics
Classification: Uncertain significance for Hereditary cancer-predisposing syndrome. Last evaluated: 2025-03-10. Review status: criteria provided, single submitter. Criteria: Ambry Variant Classification Scheme 2023. Collection method: clinical testing. Allele origin: germline.
Comment: The p.S819N variant (also known as c.2456G>A), located in coding exon 14 of the RET gene, results from a G to A substitution at nucleotide position 2456. The serine at codon 819 is replaced by asparagine, an amino acid with highly similar properties. This amino acid position is conserved. In addition, this alteration is predicted to be tolerated by in silico analysis. Since supporting evidence is limited at this time, the clinical significance of this alteration remains unclear.

Labcorp Genetics (formerly Invitae), Labcorp
Classification: Uncertain significance for Multiple endocrine neoplasia, type 2. Last evaluated: 2023-08-07. Review status: criteria provided, single submitter. Criteria: Invitae Variant Classification Sherloc (09022015). Collection method: clinical testing. Allele origin: germline.
Comment: In summary, the available evidence is currently insufficient to determine the role of this variant in disease. Therefore, it has been classified as a Variant of Uncertain Significance. An algorithm developed to predict the effect of missense changes on protein structure and function (PolyPhen-2) suggests that this variant is likely to be tolerated. ClinVar contains an entry for this variant (Variation ID: 2496746). This variant has not been reported in the literature in individuals affected with RET-related conditions. This variant is not present in population databases (gnomAD no frequency). This sequence change replaces serine, which is neutral and polar, with asparagine, which is neutral and polar, at codon 819 of the RET protein (p.Ser819Asn).

NM_020975.6(RET):c.2456G>A (p.Ser819Asn)

Gene: RET (ret proto-oncogene; plus strand). Cytogenetic location: 10q11.21.
Variant type: single nucleotide variant.
Coding change: c.2456G>A on transcript NM_020975.6 (MANE Select); coding-DNA position 2456, G replaced by A.
Protein change: p.Ser819Asn; replaces serine 819 with asparagine.
Molecular consequence: missense variant.
Genome position (GRCh38, 1-based): chr10:43,119,594, G>A. VCF-style: chr10-43119594-G-A. GRCh37 (hg19) VCF-style: chr10-43615042-G-A.
Other names: c.2456G>A, p.Ser819Asn (NM_000323.2, NM_001406743.1, NM_001406744.1 and 4 more transcripts); c.1694G>A, p.Ser565Asn (NM_001355216.2); c.2327G>A, p.Ser776Asn (NM_001406761.1, NM_001406762.1, NM_001406764.1); c.2321G>A, p.Ser774Asn (NM_001406763.1, NM_001406765.1); c.2168G>A, p.Ser723Asn (NM_001406766.1, NM_001406767.1, NM_001406770.1); c.2192G>A, p.Ser731Asn (NM_001406768.1); c.2060G>A, p.Ser687Asn (NM_001406769.1, NM_001406772.1); c.2018G>A, p.Ser673Asn (NM_001406771.1, NM_001406773.1); and 10 more; short protein forms S424N, S475N, S520N, S480N, S489N, S577N, S687N, S723N.
Identifiers: ClinVar variation 2496746 (VCV002496746.6), dbSNP rs377767421, ClinGen allele CA376556234.